The following is an entry in ClinVar:

ClinVar aggregate classification (germline): Uncertain significance (1 of 4 stars; one submission).

Allele frequency attached by ClinVar (database versions not stated): TOPMed below 0.00001; ExAC 0.00001; gnomAD exomes 0.00001.
gnomAD v4.1: 5 of 1,612,616 alleles (0.00031%); highest among the groups gnomAD compares: Non-Finnish European, 0.00042%; no homozygotes.

Submission:

Labcorp Genetics (formerly Invitae), Labcorp
Classification: Uncertain significance. Last evaluated: 2021-10-10. Review status: criteria provided, single submitter. Criteria: Invitae Variant Classification Sherloc (09022015). Collection method: clinical testing. Allele origin: germline.
Comment: Advanced modeling of protein sequence and biophysical properties (such as structural, functional, and spatial information, amino acid conservation, physicochemical variation, residue mobility, and thermodynamic stability) performed at Invitae indicates that this missense variant is not expected to disrupt COL9A3 protein function. In summary, the available evidence is currently insufficient to determine the role of this variant in disease. Therefore, it has been classified as a Variant of Uncertain Significance. This variant has not been reported in the literature in individuals affected with COL9A3-related conditions. This sequence change replaces leucine with proline at codon 165 of the COL9A3 protein (p.Leu165Pro). The leucine residue is moderately conserved and there is a moderate physicochemical difference between leucine and proline. This variant is present in population databases (rs776651110, ExAC 0.002%).

NM_001853.4(COL9A3):c.494T>C (p.Leu165Pro)

Gene: COL9A3 (collagen type IX alpha 3 chain; plus strand). Cytogenetic location: 20q13.33.
Variant type: single nucleotide variant.
Coding change: c.494T>C on transcript NM_001853.4 (MANE Select); coding-DNA position 494, T replaced by C.
Protein change: p.Leu165Pro; replaces leucine 165 with proline.
Molecular consequence: missense variant.
Genome position (GRCh38, 1-based): chr20:62,822,607, T>C. VCF-style: chr20-62822607-T-C. GRCh37 (hg19) VCF-style: chr20-61453959-T-C.
Other names: short protein forms L165P.
Identifiers: ClinVar variation 1477287 (VCV001477287.6), dbSNP rs776651110, ClinGen allele CA9949309.